The following is an entry in ClinVar:

ClinVar aggregate classification (germline): Pathogenic/Likely pathogenic. Review status: criteria provided, multiple submitters, no conflicts (2 of 4 stars). 3 submissions from 3 submitters: Pathogenic (2); Likely pathogenic (1). Last evaluated 2023-03-08.

Conditions:
X-linked central congenital hypothyroidism with late-onset testicular enlargement. Also called: Hypothyroidism, central, and testicular enlargement; HYPOTHYROIDISM, CENTRAL, WITH TESTICULAR ENLARGEMENT. Identifiers: Orphanet 329235, MedGen C3550963, MONDO:0010475, OMIM 300888.

Submissions (3):

Laboratoire de Génétique Moléculaire, CHU Bordeaux
Classification: Pathogenic for X-linked central congenital hypothyroidism with late-onset testicular enlargement. Last evaluated: 2023-03-08. Review status: criteria provided, single submitter. Criteria: ACMG Guidelines, 2015. Collection method: clinical testing. Allele origin: germline. Affected: yes.

Laboratory of Medical Genetics, National & Kapodistrian University of Athens
Classification: Likely pathogenic for X-linked central congenital hypothyroidism with late-onset testicular enlargement. Last evaluated: 2021-11-15. Review status: criteria provided, single submitter. Criteria: ACMG Guidelines, 2015. Collection method: clinical testing. Allele origin: germline. Affected: yes.
Comment: PVS1, PM2, PP5

Institute of Human Genetics Munich, TUM University Hospital
Classification: Pathogenic for X-linked central congenital hypothyroidism with late-onset testicular enlargement. Last evaluated: 2019-04-04. Review status: criteria provided, single submitter. Criteria: Classification criteria August 2017. Collection method: clinical testing. Allele origin: maternal. Inheritance: X-linked inheritance. Affected: yes. Observed: 1 hemizygote.

NM_001555.5(IGSF1):c.2407dup (p.His803fs)

Gene: IGSF1 (immunoglobulin superfamily member 1; minus strand). Cytogenetic location: Xq26.1.
Variant type: Duplication.
Coding change: c.2407dup on transcript NM_001555.5 (MANE Select); coding-DNA position 2407, one base duplicated (C; older notation c.2407dupC).
Protein change: p.His803fs; shifts the reading frame from histidine 803.
Molecular consequence: frameshift variant.
Genome position (GRCh38, 1-based): chrX:131,277,140, G duplicated on the plus strand (C on the coding strand, the reverse complement: IGSF1 is on the minus strand); the first of 6 consecutive G bases (chrX:131,277,140-131,277,145); duplicating any one gives the same sequence. VCF-style (leftmost placement, unchanged base first): chrX-131277139-T-TG. GRCh37 (hg19) VCF-style: chrX-130411113-T-TG.
Other names: c.2422dup, p.His808fs (NM_001170961.2); c.2380dup, p.His794fs (NM_001170962.2); short protein forms H794fs, H803fs, H808fs.
Identifiers: ClinVar variation 807432 (VCV000807432.5), dbSNP rs1603404297, ClinGen allele CA915952407.